The following is an entry in ClinVar:

NM_000361.3(THBD):c.976G>T (p.Val326Leu)

Gene: THBD (thrombomodulin; minus strand). Cytogenetic location: 20p11.21.
Variant type: single nucleotide variant.
Coding change: c.976G>T on transcript NM_000361.3 (MANE Select); coding-DNA position 976, G replaced by T.
Protein change: p.Val326Leu; replaces valine 326 with leucine.
Molecular consequence: missense variant.
Genome position (GRCh38, 1-based): chr20:23,048,529, C>A on the plus strand (G>T on the coding strand, the complement: THBD is on the minus strand). VCF-style: chr20-23048529-C-A. GRCh37 (hg19) VCF-style: chr20-23029166-C-A.
Other names: short protein forms V326L.
Identifiers: ClinVar variation 4976838 (VCV004976838.1).

ClinVar aggregate classification (germline): Uncertain significance (1 of 4 stars; one submission).

Conditions:
Thrombomodulin-related bleeding disorder (THPH12). Also called: Thrombophilia due to thrombomodulin defect. Identifiers: Orphanet 436169, MedGen C3280976, MONDO:0013775, OMIM 614486.

Submission:

Genomenon, Inc
Classification: Uncertain significance for Thrombomodulin-related bleeding disorder. Last evaluated: 2026-09-17. Review status: criteria provided, single submitter. Criteria: Genomenon Sequence Variant Interpretation Standards - Updated. Collection method: curation. Allele origin: germline. Affected: no.
Comment: THBD p.Val326Leu (c.976G>T) is a missense variant that changes the amino acid at codon 326 from valine to leucine. This variant has been reported in the published literature (PMID:34970867). It is absent or not present at a significant frequency in gnomAD. In conclusion, we classify THBD p.Val326Leu (c.976G>T) as a variant of uncertain significance.

Literature cited by the submitters: PubMed 34970867.